The following is an entry in ClinVar:

ClinVar aggregate classification (germline): Uncertain significance (1 of 4 stars; one submission).

Conditions:
Dilated cardiomyopathy 1JJ (CMD1JJ). Identifiers: Orphanet 154, MedGen C3808935, MONDO:0014095, OMIM 615235.

Submission:

Neuberg Centre For Genomic Medicine, NCGM
Classification: Uncertain significance for Dilated cardiomyopathy 1JJ. Review status: criteria provided, single submitter. Criteria: ACMG Guidelines, 2015. Collection method: clinical testing. Allele origin: germline. Inheritance: Autosomal dominant inheritance. Affected: yes.
Comment: The observed missense c.3158A>G(p.Asp1053Gly) variant in LAMA4 gene has not been reported preivously as a pathogenic variant nor a benign variant, to our knowledge. The p.Asp1053Gly variant is absent in gnomAD Exomes. This variant has not been submitted to the ClinVar database. The amino acid change p.Asp1053Gly in LAMA4 is predicted as conserved by GERP++ and PhyloP across 100 vertebrates. The amino acid Asp at position 1053 is changed to a Gly changing protein sequence and it might alter its composition and physico-chemical properties. For these reasons, this variant has been classified as a Variant of Uncertain Significance (VUS).

NM_001105206.3(LAMA4):c.3158A>G (p.Asp1053Gly)

Gene: LAMA4 (laminin subunit alpha 4; minus strand). Cytogenetic location: 6q21.
Variant type: single nucleotide variant.
Coding change: c.3158A>G on transcript NM_001105206.3 (MANE Select); coding-DNA position 3158, A replaced by G.
Protein change: p.Asp1053Gly; replaces aspartic acid 1053 with glycine.
Molecular consequence: missense variant.
Genome position (GRCh38, 1-based): chr6:112,139,244, T>C on the plus strand (A>G on the coding strand, the complement: LAMA4 is on the minus strand). VCF-style: chr6-112139244-T-C. GRCh37 (hg19) VCF-style: chr6-112460446-T-C.
Other names: c.3137A>G, p.Asp1046Gly (NM_001105207.3, NM_002290.5); short protein forms D1046G, D1053G.
Identifiers: ClinVar variation 3250454 (VCV003250454.1), dbSNP rs2547019643.